The following is an entry in ClinVar:

NM_001365693.1(MGAM):c.3097A>G (p.Thr1033Ala)

Gene: MGAM (maltase-glucoamylase; plus strand). Cytogenetic location: 7q34.
Variant type: single nucleotide variant.
Coding change: c.3097A>G on transcript NM_001365693.1 (MANE Select); coding-DNA position 3097, A replaced by G.
Protein change: p.Thr1033Ala; replaces threonine 1033 with alanine.
Molecular consequence: missense variant.
Genome position (GRCh38, 1-based): chr7:142,052,922, A>G. VCF-style: chr7-142052922-A-G. GRCh37 (hg19) VCF-style: chr7-141752722-A-G.
Other names: c.3097A>G (NM_004668.2); c.3097A>G, p.Thr1033Ala (NM_004668.3); short protein forms T1033A.
Identifiers: ClinVar variation 3048335 (VCV003048335.3), dbSNP rs187645172, ClinGen allele CA168117125.

ClinVar aggregate classification (germline): Uncertain significance. Review status: criteria provided, single submitter (1 of 4 stars). 2 submissions from 2 submitters: Uncertain significance (1). 1 of the submissions does not count toward it. Last evaluated 2025-11-20.

Conditions:
MGAM-related disorder. Also called: MGAM-related condition.

Allele frequency attached by ClinVar (database versions not stated): ExAC 0.00041; 1000 Genomes Project 0.00160; ESP Exome Variant Server 0.00106; gnomAD 0.00143; TOPMed 0.00149; gnomAD exomes 0.00018; 1000 Genomes Project 30x 0.00156.
gnomAD v4.1: 491 of 1,613,810 alleles (0.03%); highest among the groups gnomAD compares: African/African-American, 0.5%; 1 homozygote.

Submissions (2):

Ambry Genetics
Classification: Uncertain significance. Last evaluated: 2025-11-20. Review status: criteria provided, single submitter. Criteria: Ambry Variant Classification Scheme 2023. Collection method: clinical testing. Allele origin: germline.

PreventionGenetics, part of Exact Sciences
Classification: Likely benign for MGAM-related condition. Last evaluated: 2022-03-11. Review status: no assertion criteria provided. Collection method: clinical testing. Allele origin: germline. Not counted in ClinVar's aggregate classification.
Comment: This variant is classified as likely benign based on ACMG/AMP sequence variant interpretation guidelines (Richards et al. 2015 PMID: 25741868, with internal and published modifications).